The following is an entry in ClinVar:

ClinVar aggregate classification (germline): Uncertain significance. Review status: criteria provided, multiple submitters, no conflicts (2 of 4 stars). 2 submissions from 2 submitters: Uncertain significance (2). Last evaluated 2025-01-02.

Allele frequency attached by ClinVar (database versions not stated): TOPMed 0.00001.
gnomAD v4.1: 3 of 1,613,476 alleles (0.00019%); highest among the groups gnomAD compares: African/African-American, 0.004%; no homozygotes.

Submissions (2):

Ambry Genetics
Classification: Uncertain significance. Last evaluated: 2025-01-02. Review status: criteria provided, single submitter. Criteria: Ambry Variant Classification Scheme 2023. Collection method: clinical testing. Allele origin: germline.

Labcorp Genetics (formerly Invitae), Labcorp
Classification: Uncertain significance. Last evaluated: 2024-10-24. Review status: criteria provided, single submitter. Criteria: Invitae Variant Classification Sherloc (09022015). Collection method: clinical testing. Allele origin: germline.
Comment: This sequence change replaces isoleucine, which is neutral and non-polar, with methionine, which is neutral and non-polar, at codon 1146 of the CACNA1B protein (p.Ile1146Met). This variant is present in population databases (no rsID available, gnomAD 0.007%). This variant has not been reported in the literature in individuals affected with CACNA1B-related conditions. ClinVar contains an entry for this variant (Variation ID: 1951741). Invitae Evidence Modeling of protein sequence and biophysical properties (such as structural, functional, and spatial information, amino acid conservation, physicochemical variation, residue mobility, and thermodynamic stability) indicates that this missense variant is not expected to disrupt CACNA1B protein function with a negative predictive value of 80%. In summary, the available evidence is currently insufficient to determine the role of this variant in disease. Therefore, it has been classified as a Variant of Uncertain Significance.

NM_000718.4(CACNA1B):c.3438C>G (p.Ile1146Met)

Gene: CACNA1B (calcium voltage-gated channel subunit alpha1 B; plus strand). Cytogenetic location: 9q34.3.
Variant type: single nucleotide variant.
Coding change: c.3438C>G on transcript NM_000718.4 (MANE Select); coding-DNA position 3438, C replaced by G.
Protein change: p.Ile1146Met; replaces isoleucine 1146 with methionine.
Molecular consequence: missense variant.
Genome position (GRCh38, 1-based): chr9:138,046,928, C>G. VCF-style: chr9-138046928-C-G. GRCh37 (hg19) VCF-style: chr9-140941380-C-G.
Other names: c.3438C>G, p.Ile1146Met (NM_001243812.2); c.3438C>G (NM_000718.3); short protein forms I1146M.
Identifiers: ClinVar variation 1951741 (VCV001951741.6), dbSNP rs774798380, ClinGen allele CA375811573.